The following is an entry in ClinVar:

ClinVar aggregate classification (germline): Pathogenic (1 of 4 stars; one submission).

Conditions:
Primary ciliary dyskinesia. Also called: Ciliary dyskinesia. Identifiers: Orphanet 244, MedGen C0008780, MONDO:0016575, HP:0012265.

Submission:

Labcorp Genetics (formerly Invitae), Labcorp
Classification: Pathogenic for Primary ciliary dyskinesia. Last evaluated: 2023-10-17. Review status: criteria provided, single submitter. Criteria: Invitae Variant Classification Sherloc (09022015). Collection method: clinical testing. Allele origin: germline.
Comment: This variant is a gross deletion of the genomic region encompassing exon(s) 9 of the CCDC39 gene. This deletion is out-of-frame, and is expected to create a premature termination codon and result in an absent or disrupted protein product. Loss-of-function variants in CCDC39 are known to be pathogenic (PMID: 21131972, 23255504). This variant has not been reported in the literature in individuals affected with CCDC39-related conditions. For these reasons, this variant has been classified as Pathogenic.

Literature cited by the submitters: PubMed 21131972; PubMed 23255504.

NC_000003.12:g.(?_180651381)_(180651553_?)del

Gene: CCDC39 (coiled-coil domain 39 molecular ruler complex subunit; minus strand). Cytogenetic location: 3q26.33.
Variant type: Deletion.
Identifiers: ClinVar variation 830912 (VCV000830912.14).